The following is an entry in ClinVar:

ClinVar aggregate classification (germline): Uncertain significance. Review status: criteria provided, multiple submitters, no conflicts (2 of 4 stars). 2 submissions from 2 submitters: Uncertain significance (2). Last evaluated 2025-07-07.

Conditions:
Jeune thoracic dystrophy. Also called: Jeune syndrome; Short-rib thoracic dysplasia; Infantile thoracic dystrophy; Thoracic pelvic phalangeal dystrophy; Jeune's syndrome; Chondroectodermal dysplasia-like syndrome. Identifiers: Orphanet 474, MedGen C0265275, MONDO:0018770.
Nephronophthisis. Also called: Juvenile Nephronophthisis. Identifiers: Orphanet 655, MedGen C0687120, MONDO:0019005, HP:0000090.
Asphyxiating thoracic dystrophy 4 (SRTD4). Also called: SHORT-RIB THORACIC DYSPLASIA 4 WITH OR WITHOUT POLYDACTYLY; SHORT-RIB THORACIC DYSPLASIA 4. Identifiers: Orphanet 474, MedGen C3151185, MONDO:0013441, OMIM 613819.
Nephronophthisis 12 (NPHP12). Identifiers: Orphanet 655, MedGen C3151186, MONDO:0013442, OMIM 613820.

Allele frequency attached by ClinVar (database versions not stated): gnomAD exomes below 0.00001.
gnomAD v4.1: 3 of 1,613,814 alleles (0.00019%); highest among the groups gnomAD compares: Non-Finnish European, 0.00025%; no homozygotes.

Submissions (2):

Labcorp Genetics (formerly Invitae), Labcorp
Classification: Uncertain significance for Jeune thoracic dystrophy; Nephronophthisis. Last evaluated: 2025-07-07. Review status: criteria provided, single submitter. Criteria: Invitae Variant Classification Sherloc (09022015). Collection method: clinical testing. Allele origin: germline.
Comment: This sequence change replaces tryptophan, which is neutral and slightly polar, with cysteine, which is neutral and slightly polar, at codon 804 of the TTC21B protein (p.Trp804Cys). This variant is not present in population databases (gnomAD no frequency). This variant has not been reported in the literature in individuals affected with TTC21B-related conditions. ClinVar contains an entry for this variant (Variation ID: 999353). Invitae Evidence Modeling of protein sequence and biophysical properties (such as structural, functional, and spatial information, amino acid conservation, physicochemical variation, residue mobility, and thermodynamic stability) indicates that this missense variant is not expected to disrupt TTC21B protein function with a negative predictive value of 95%. In summary, the available evidence is currently insufficient to determine the role of this variant in disease. Therefore, it has been classified as a Variant of Uncertain Significance.

Fulgent Genetics
Classification: Uncertain significance for Asphyxiating thoracic dystrophy 4; Nephronophthisis 12. Last evaluated: 2024-06-18. Review status: criteria provided, single submitter. Criteria: ACMG Guidelines, 2015. Collection method: clinical testing. Allele origin: germline.

NM_024753.5(TTC21B):c.2412G>T (p.Trp804Cys)

Gene: TTC21B (tetratricopeptide repeat domain 21B; minus strand). Cytogenetic location: 2q24.3.
Variant type: single nucleotide variant.
Coding change: c.2412G>T on transcript NM_024753.5 (MANE Select); coding-DNA position 2412, G replaced by T.
Protein change: p.Trp804Cys; replaces tryptophan 804 with cysteine.
Molecular consequence: missense variant.
Genome position (GRCh38, 1-based): chr2:165,911,376, C>A on the plus strand (G>T on the coding strand, the complement: TTC21B is on the minus strand). VCF-style: chr2-165911376-C-A. GRCh37 (hg19) VCF-style: chr2-166767886-C-A.
Other names: short protein forms W804C.
Identifiers: ClinVar variation 999353 (VCV000999353.10), dbSNP rs1685925745, ClinGen allele CA349056968.